The following is an entry in ClinVar:

NM_001370466.1(NOD2):c.2290C>T (p.Arg764Trp)

Gene: NOD2 (nucleotide binding oligomerization domain containing 2; plus strand). Cytogenetic location: 16q12.1.
Variant type: single nucleotide variant.
Coding change: c.2290C>T on transcript NM_001370466.1 (MANE Select); coding-DNA position 2290, C replaced by T.
Protein change: p.Arg764Trp; replaces arginine 764 with tryptophan.
Molecular consequence: missense variant. On other transcripts: non-coding transcript variant (1).
Genome position (GRCh38, 1-based): chr16:50,712,282, C>T. VCF-style: chr16-50712282-C-T. GRCh37 (hg19) VCF-style: chr16-50746193-C-T.
Other names: c.2371C>T (LRG_177t1); c.2290C>T, p.Arg764Trp (NM_001293557.2); c.2371C>T, p.Arg791Trp (NM_022162.3); short protein forms R791W, R764W.
Identifiers: ClinVar variation 97849 (VCV000097849.15), dbSNP rs104895484, ClinGen allele CA150259.
Genomic context (GRCh38, chr16:50,712,282, plus strand): 5'-TTTTGCAGTGTGGGCCCCACTGAGTGTGCTGCCCTGGCCTTTGTGCTGCAGCACCTCCGG[C>T]GGCCCGTGGCCCTGCAGCTGGACTACAACTCTGTGGGTGACATTGGCGTGGAGCAGCTGC-3'
Protein context (NP_001357395.1, residues 754-774): ALAFVLQHLR[Arg764Trp]PVALQLDYNS

ClinVar aggregate classification (germline): Conflicting classifications of pathogenicity. Review status: criteria provided, conflicting classifications (1 of 4 stars). 6 submissions from 5 submitters: Uncertain significance (3); Benign (1); Likely benign (1). 1 of the submissions does not count toward it. Last evaluated 2026-04-06.

Conditions:
Blau syndrome (BLAUS). Also called: GRANULOMATOSIS, FAMILIAL JUVENILE SYSTEMIC; GRANULOMATOSIS, FAMILIAL, BLAU TYPE; GRANULOMATOUS INFLAMMATORY ARTHRITIS, DERMATITIS, AND UVEITIS, FAMILIAL; JABS SYNDROME; ARTHROCUTANEOUVEAL GRANULOMATOSIS. Identifiers: Orphanet 90340, MedGen C5201146, MONDO:0008523, OMIM 186580.
Regional enteritis. Also called: Enteritis, Granulomatous. Identifiers: MedGen C0678202, MeSH D003424.
Inflammatory bowel disease 1 (IBD1). Also called: Inflammatory bowel disease 1, Crohn disease; INFLAMMATORY BOWEL DISEASE (CROHN DISEASE) 1. Identifiers: MedGen CN260071, MONDO:0009960, OMIM 266600.

Allele frequency attached by ClinVar (database versions not stated): gnomAD exomes 0.00007 and 0.00005; gnomAD 0.00008 and 0.00007; ExAC 0.00002; TOPMed 0.00006; ESP Exome Variant Server 0.00008.

Submissions (6):

GeneDx
Classification: Uncertain significance. Last evaluated: 2026-04-06. Review status: criteria provided, single submitter. Criteria: GeneDx Variant Classification Process June 2021. Collection method: clinical testing. Allele origin: germline.
Comment: In silico analysis supports that this missense variant has a deleterious effect on protein structure/function; Observed in the heterozygous state in a patient with inflammatory bowel disease (PMID: 16485124); This variant is associated with the following publications: (PMID: 26001859, 16485124)

Women's Health and Genetics/Laboratory Corporation of America, LabCorp
Classification: Likely benign. Last evaluated: 2026-01-06. Review status: criteria provided, single submitter. Criteria: LabCorp Variant Classification Summary - May 2015. Collection method: clinical testing. Allele origin: germline.
Comment: Variant summary: NOD2 c.2371C>T (p.Arg791Trp) results in a non-conservative amino acid change in the encoded protein sequence. Algorithms developed to predict the effect of missense changes on protein structure and function are either unavailable or do not agree on the potential impact of this missense change. The variant allele was found at a frequency of 5.2e-05 in 249588 control chromosomes (gnomAD). The observed variant frequency exceeds the estimated maximal expected allele frequency for disease-causing variants in NOD2. c.2371C>T has been observed in one individual affected with inflammatory bowel disease (Schnitzle_2006). These report does not provide unequivocal conclusions about association of the variant with Blau syndrome. To our knowledge, no experimental evidence demonstrating an impact on protein function has been reported. The following publication have been ascertained in the context of this evaluation (PMID: 16485124). ClinVar contains an entry for this variant (Variation ID: 97849). Based on the evidence outlined above, the variant was classified as likely benign.

Labcorp Genetics (formerly Invitae), Labcorp
Classification: Uncertain significance for Regional enteritis; Blau syndrome. Last evaluated: 2025-04-01. Review status: criteria provided, single submitter. Criteria: Invitae Variant Classification Sherloc (09022015). Collection method: clinical testing. Allele origin: germline.
Comment: This sequence change replaces arginine, which is basic and polar, with tryptophan, which is neutral and slightly polar, at codon 791 of the NOD2 protein (p.Arg791Trp). This variant is present in population databases (rs104895484, gnomAD 0.02%). This missense change has been observed in individual(s) with inflammatory bowel disease (PMID: 16485124). This variant is also known as p.R791W in the CARD15 gene. ClinVar contains an entry for this variant (Variation ID: 97849). Invitae Evidence Modeling of protein sequence and biophysical properties (such as structural, functional, and spatial information, amino acid conservation, physicochemical variation, residue mobility, and thermodynamic stability) indicates that this missense variant is not expected to disrupt NOD2 protein function with a negative predictive value of 95%. In summary, the available evidence is currently insufficient to determine the role of this variant in disease. Therefore, it has been classified as a Variant of Uncertain Significance.

Illumina Laboratory Services, Illumina
Classification: Benign for Blau syndrome. Last evaluated: 2017-04-28. Review status: criteria provided, single submitter. Criteria: ICSL Variant Classification Criteria 13 December 2019. Collection method: clinical testing. Allele origin: germline.
Comment: This variant was observed as part of a predisposition screen in an ostensibly healthy population. A literature search was performed for the gene, cDNA change, and amino acid change (where applicable). No publications were found based on this search. Allele frequency data from public databases was too high to be consistent with this variant causing disease. Therefore, this variant is classified as benign.

Illumina Laboratory Services, Illumina
Classification: Uncertain significance for Inflammatory bowel disease 1. Last evaluated: 2017-04-28. Review status: criteria provided, single submitter. Criteria: ICSL Variant Classification Criteria 13 December 2019. Collection method: clinical testing. Allele origin: germline.
Comment: This variant was observed as part of a predisposition screen in an ostensibly healthy population. A literature search was performed for the gene, cDNA change, and amino acid change (where applicable). Publications were found based on this search. However, the evidence from the literature, in combination with allele frequency data from public databases where available, was not sufficient to rule this variant in or out of causing disease. Therefore, this variant is classified as a variant of unknown significance.

Unité médicale des maladies autoinflammatoires, CHRU Montpellier
No classification provided. Condition: Sarcoidosis, early-onset. Review status: no classification provided. Collection method: not provided. Allele origin: unknown. Not counted in ClinVar's aggregate classification.
Comment: also involved in OMIM 186580 and 266600

Literature cited by the submitters: PubMed 16485124 (cited by 3 submitters).